The following is an entry in ClinVar:

ClinVar aggregate classification (germline): Uncertain significance (1 of 4 stars; one submission).

Conditions:
Hereditary diffuse gastric adenocarcinoma (HDGC). Also called: DIFFUSE GASTRIC AND LOBULAR BREAST CANCER SYNDROME. Identifiers: Orphanet 26106, MedGen C1708349, MONDO:0007648, OMIM 137215.

Submission:

Labcorp Genetics (formerly Invitae), Labcorp
Classification: Uncertain significance for Hereditary diffuse gastric adenocarcinoma. Last evaluated: 2025-10-01. Review status: criteria provided, single submitter. Criteria: Invitae Variant Classification Sherloc (09022015). Collection method: clinical testing. Allele origin: germline.
Comment: This sequence change replaces proline, which is neutral and non-polar, with leucine, which is neutral and non-polar, at codon 484 of the CDH1 protein (p.Pro484Leu). This variant is not present in population databases (gnomAD no frequency). This variant has not been reported in the literature in individuals affected with CDH1-related conditions. ClinVar contains an entry for this variant (Variation ID: 861143). An algorithm developed to predict the effect of missense changes on protein structure and function (PolyPhen-2) suggests that this variant is likely to be disruptive. In summary, the available evidence is currently insufficient to determine the role of this variant in disease. Therefore, it has been classified as a Variant of Uncertain Significance.

NM_004360.5(CDH1):c.1451C>T (p.Pro484Leu)

Gene: CDH1 (cadherin 1; plus strand). Cytogenetic location: 16q22.1.
Variant type: single nucleotide variant.
Coding change: c.1451C>T on transcript NM_004360.5 (MANE Select); coding-DNA position 1451, C replaced by T.
Protein change: p.Pro484Leu; replaces proline 484 with leucine.
Molecular consequence: missense variant. On other transcripts: 5 prime UTR variant (2).
Genome position (GRCh38, 1-based): chr16:68,815,645, C>T. VCF-style: chr16-68815645-C-T. GRCh37 (hg19) VCF-style: chr16-68849548-C-T.
Other names: c.1268C>T, p.Pro423Leu (NM_001317184.2); c.-98C>T (NM_001317185.2); c.-369C>T (NM_001317186.2); short protein forms P423L, P484L.
Identifiers: ClinVar variation 861143 (VCV000861143.10), dbSNP rs1960964657, ClinGen allele CA396463073.